The following is an entry in ClinVar:

NM_002439.5(MSH3):c.2162G>A (p.Gly721Asp)

Gene: MSH3 (mutS homolog 3; plus strand). Cytogenetic location: 5q14.1.
Variant type: single nucleotide variant.
Coding change: c.2162G>A on transcript NM_002439.5 (MANE Select); coding-DNA position 2162, G replaced by A.
Protein change: p.Gly721Asp; replaces glycine 721 with aspartic acid.
Molecular consequence: missense variant.
Genome position (GRCh38, 1-based): chr5:80,768,912, G>A. VCF-style: chr5-80768912-G-A. GRCh37 (hg19) VCF-style: chr5-80064731-G-A.
Other names: short protein forms G721D.
Identifiers: ClinVar variation 934264 (VCV000934264.13), dbSNP rs761901103, ClinGen allele CA360279462.

ClinVar aggregate classification (germline): Uncertain significance. Review status: criteria provided, multiple submitters, no conflicts (2 of 4 stars). 2 submissions from 2 submitters: Uncertain significance (2). Last evaluated 2025-09-01.

Conditions:
Hereditary cancer-predisposing syndrome. Also called: Neoplastic Syndromes, Hereditary; Hereditary Cancer Syndrome; Hereditary neoplastic syndrome; Tumor predisposition. Identifiers: Orphanet 140162, MedGen C0027672, MeSH D009386, MONDO:0015356.

Allele frequency attached by ClinVar (database versions not stated): TOPMed below 0.00001.
gnomAD v4.1: 3 of 1,612,256 alleles (0.00019%); highest among the groups gnomAD compares: Non-Finnish European, 0.00025%; no homozygotes.

Submissions (2):

Ambry Genetics
Classification: Uncertain significance for Hereditary cancer-predisposing syndrome. Last evaluated: 2025-09-01. Review status: criteria provided, single submitter. Criteria: Ambry Variant Classification Scheme 2023. Collection method: clinical testing. Allele origin: germline.
Comment: The p.G721D variant (also known as c.2162G>A), located in coding exon 15 of the MSH3 gene, results from a G to A substitution at nucleotide position 2162. The glycine at codon 721 is replaced by aspartic acid, an amino acid with similar properties. This amino acid position is conserved. In addition, this alteration is predicted to be tolerated by in silico analysis. Since supporting evidence is limited at this time, the clinical significance of this alteration remains unclear.

Labcorp Genetics (formerly Invitae), Labcorp
Classification: Uncertain significance. Last evaluated: 2025-05-30. Review status: criteria provided, single submitter. Criteria: Invitae Variant Classification Sherloc (09022015). Collection method: clinical testing. Allele origin: germline.
Comment: This sequence change replaces glycine, which is neutral and non-polar, with aspartic acid, which is acidic and polar, at codon 721 of the MSH3 protein (p.Gly721Asp). This variant is not present in population databases (gnomAD no frequency). This variant has not been reported in the literature in individuals affected with MSH3-related conditions. ClinVar contains an entry for this variant (Variation ID: 934264). An algorithm developed to predict the effect of missense changes on protein structure and function outputs the following: PolyPhen-2: "Benign". The aspartic acid amino acid residue is found in multiple mammalian species, which suggests that this missense change does not adversely affect protein function. In summary, the available evidence is currently insufficient to determine the role of this variant in disease. Therefore, it has been classified as a Variant of Uncertain Significance.